The following is an entry in ClinVar:

ClinVar aggregate classification (germline): Uncertain significance (1 of 4 stars; one submission).

gnomAD v4.1: 1 of 1,212,241 alleles (0.000082%); no homozygotes.

Submission:

GeneDx
Classification: Uncertain significance. Last evaluated: 2024-04-11. Review status: criteria provided, single submitter. Criteria: GeneDx Variant Classification Process June 2021. Collection method: clinical testing. Allele origin: germline. Affected: yes.
Comment: Not observed at significant frequency in large population cohorts (gnomAD); In silico analysis supports that this missense variant has a deleterious effect on protein structure/function; Has not been previously published as pathogenic or benign to our knowledge

NM_181303.2(NLGN3):c.685A>C (p.Asn229His)

Gene: NLGN3 (neuroligin 3; plus strand). Cytogenetic location: Xq13.1.
Variant type: single nucleotide variant.
Coding change: c.685A>C on transcript NM_181303.2 (MANE Select); coding-DNA position 685, A replaced by C.
Protein change: p.Asn229His; replaces asparagine 229 with histidine.
Molecular consequence: missense variant.
Genome position (GRCh38, 1-based): chrX:71,155,321, A>C. VCF-style: chrX-71155321-A-C. GRCh37 (hg19) VCF-style: chrX-70375171-A-C.
Other names: c.565A>C, p.Asn189His (NM_001166660.2); c.274A>C, p.Asn92His (NM_001321276.2); c.625A>C, p.Asn209His (NM_018977.4); short protein forms N189H, N209H, N229H, N92H.
Identifiers: ClinVar variation 3372040 (VCV003372040.1).
Genomic context (GRCh38, chrX:71,155,321, plus strand): 5'-GGCTCTTACATGGAAGGGACAGGCAACATGATTGATGGCAGCATCCTCGCCAGTTATGGC[A>C]ATGTCATCGTCATCACCCTCAACTATCGGGTTGGAGTGCTAGGTATGGTTCCCTGCCTGG-3'
Protein context (NP_851820.1, residues 219-239): IDGSILASYG[Asn229His]VIVITLNYRV